The following is an entry in ClinVar:

NM_004415.4(DSP):c.1907C>A (p.Thr636Asn)

Gene: DSP (desmoplakin; plus strand). Cytogenetic location: 6p24.3.
Variant type: single nucleotide variant.
Coding change: c.1907C>A on transcript NM_004415.4 (MANE Select); coding-DNA position 1907, C replaced by A.
Protein change: p.Thr636Asn; replaces threonine 636 with asparagine.
Molecular consequence: missense variant.
Genome position (GRCh38, 1-based): chr6:7,571,845, C>A. VCF-style: chr6-7571845-C-A. GRCh37 (hg19) VCF-style: chr6-7572078-C-A.
Other names: c.1907C>A, p.Thr636Asn (NM_001008844.3, NM_001319034.2); short protein forms T636N.
Identifiers: ClinVar variation 2567543 (VCV002567543.2), dbSNP rs2533896104, ClinGen allele CA362679953.

ClinVar aggregate classification (germline): Uncertain significance (1 of 4 stars; one submission).

Conditions:
Cardiovascular phenotype. Identifiers: MedGen CN230736.

Submission:

Ambry Genetics
Classification: Uncertain significance for Cardiovascular phenotype. Last evaluated: 2023-06-12. Review status: criteria provided, single submitter. Criteria: Ambry Variant Classification Scheme 2023. Collection method: clinical testing. Allele origin: germline.
Comment: The p.T636N variant (also known as c.1907C>A), located in coding exon 15 of the DSP gene, results from a C to A substitution at nucleotide position 1907. The threonine at codon 636 is replaced by asparagine, an amino acid with similar properties. This amino acid position is conserved. In addition, this alteration is predicted to be tolerated by in silico analysis. Since supporting evidence is limited at this time, the clinical significance of this alteration remains unclear.